The following is an entry in ClinVar:

ClinVar aggregate classification (germline): Uncertain significance. Review status: criteria provided, multiple submitters, no conflicts (2 of 4 stars). 4 submissions from 4 submitters: Uncertain significance (4). Last evaluated 2025-10-25.

Conditions:
Myopathy, reducing body, X-linked, childhood-onset (RBMX1B). Also called: REDUCING BODY MYOPATHY, X-LINKED 1B, WITH LATE CHILDHOOD OR ADULT ONSET. Identifiers: Orphanet 97239, MedGen C4225159, MONDO:0010415, OMIM 300718.
Myopathy, reducing body, X-linked, early-onset, severe (RBMX1A). Also called: REDUCING BODY MYOPATHY, X-LINKED 1, SEVERE, WITH INFANTILE OR EARLY CHILDHOOD ONSET. Identifiers: Orphanet 97239, MedGen C4225423, MONDO:0010414, OMIM 300717.
X-linked myopathy with postural muscle atrophy. Also called: FHL1-Related Emery-Dreifuss Muscular Dystrophy, X-Linked. Identifiers: Orphanet 178461, MedGen C2678055, MONDO:0010401, OMIM 300696.
Uruguay Faciocardiomusculoskeletal syndrome. Identifiers: MedGen C1846010, MONDO:0010292, OMIM 300280.
X-linked scapuloperoneal muscular dystrophy. Also called: SCAPULOPERONEAL MYOPATHY, FHL1-RELATED. Identifiers: Orphanet 431272, MedGen C2678061, MONDO:0010400, OMIM 300695.
Cardiovascular phenotype. Identifiers: MedGen CN230736.

Allele frequency attached by ClinVar (database versions not stated): ExAC 0.00002; TOPMed 0.00005; gnomAD exomes 0.00007; gnomAD 0.00009 and 0.00011.

Submissions (4):

Labcorp Genetics (formerly Invitae), Labcorp
Classification: Uncertain significance for X-linked myopathy with postural muscle atrophy. Last evaluated: 2025-10-25. Review status: criteria provided, single submitter. Criteria: Invitae Variant Classification Sherloc (09022015). Collection method: clinical testing. Allele origin: germline.
Comment: This sequence change replaces aspartic acid, which is acidic and polar, with asparagine, which is neutral and polar, at codon 247 of the FHL1 protein (p.Asp247Asn). This variant is present in population databases (rs754308516, gnomAD 0.04%), and has an allele count higher than expected for a pathogenic variant. This variant has not been reported in the literature in individuals affected with FHL1-related conditions. ClinVar contains an entry for this variant (Variation ID: 198467). An algorithm developed to predict the effect of missense changes on protein structure and function (PolyPhen-2) suggests that this variant is likely to be disruptive. In summary, the available evidence is currently insufficient to determine the role of this variant in disease. Therefore, it has been classified as a Variant of Uncertain Significance.

Ambry Genetics
Classification: Uncertain significance for Cardiovascular phenotype. Last evaluated: 2025-03-31. Review status: criteria provided, single submitter. Criteria: Ambry Variant Classification Scheme 2023. Collection method: clinical testing. Allele origin: germline.
Comment: The p.D247N variant (also known as c.739G>A), located in coding exon 5 of the FHL1 gene, results from a G to A substitution at nucleotide position 739. The aspartic acid at codon 247 is replaced by asparagine, an amino acid with highly similar properties. Based on data from gnomAD, the A allele has an overall frequency of 0.007% (14/204575) total alleles studied, with 3 hemizygote(s) observed. The highest observed frequency was 0.032% (9/28039) of Latino alleles. This amino acid position is not well conserved in available vertebrate species. In addition, this alteration is predicted to be deleterious by in silico analysis. Since supporting evidence is limited at this time, the clinical significance of this alteration remains unclear.

Fulgent Genetics
Classification: Uncertain significance for Uruguay Faciocardiomusculoskeletal syndrome; X-linked scapuloperoneal muscular dystrophy; X-linked myopathy with postural muscle atrophy; Myopathy, reducing body, X-linked, early-onset, severe; Myopathy, reducing body, X-linked, childhood-onset. Last evaluated: 2021-08-11. Review status: criteria provided, single submitter. Criteria: ACMG Guidelines, 2015. Collection method: clinical testing. Allele origin: unknown.

Eurofins Ntd Llc (ga)
Classification: Uncertain significance. Last evaluated: 2014-11-26. Review status: criteria provided, single submitter. Criteria: EGL Classification Definitions 2015. Collection method: clinical testing. Allele origin: germline. Observed: 1 variant allele, 1 heterozygote.

NM_001159699.2(FHL1):c.787G>A (p.Asp263Asn)

Gene: FHL1 (four and a half LIM domains 1; plus strand). Cytogenetic location: Xq26.3.
Variant type: single nucleotide variant.
Coding change: c.787G>A on transcript NM_001159699.2 (MANE Select); coding-DNA position 787, G replaced by A.
Protein change: p.Asp263Asn; replaces aspartic acid 263 with asparagine.
Molecular consequence: missense variant. On other transcripts: synonymous variant (6), non-coding transcript variant (1).
Genome position (GRCh38, 1-based): chrX:136,209,921, G>A. VCF-style: chrX-136209921-G-A. GRCh37 (hg19) VCF-style: chrX-135292080-G-A.
Other names: c.739G>A, p.Asp247Asn (NM_001159700.2, NM_001159704.1, NM_001167819.1 and 4 more transcripts); c.826G>A, p.Asp276Asn (NM_001159701.2); c.939G>A, p.Thr313= (NM_001159702.3, NM_001369326.1, NM_001369327.2 and 1 more transcripts); c.552G>A, p.Thr184= (NM_001159703.2); c.600G>A, p.Thr200= (NM_001330659.2); short protein forms D247N, D263N, D276N.
Identifiers: ClinVar variation 198467 (VCV000198467.18), dbSNP rs754308516, ClinGen allele CA247134.